The following is an entry in ClinVar:

ClinVar aggregate classification (germline): Benign. Review status: criteria provided, single submitter (1 of 4 stars). 2 submissions from 2 submitters: Benign (1). 1 of the submissions does not count toward it. Last evaluated 2025-08-21.

Conditions:
MAGI2-related disorder. Also called: MAGI2-related condition.

Submissions (2):

Labcorp Genetics (formerly Invitae), Labcorp
Classification: Benign. Last evaluated: 2025-08-21. Review status: criteria provided, single submitter. Criteria: Invitae Variant Classification Sherloc (09022015). Collection method: clinical testing. Allele origin: germline.

PreventionGenetics, part of Exact Sciences
Classification: Likely benign for MAGI2-related condition. Last evaluated: 2019-03-06. Review status: no assertion criteria provided. Collection method: clinical testing. Allele origin: germline. Not counted in ClinVar's aggregate classification.
Comment: This variant is classified as likely benign based on ACMG/AMP sequence variant interpretation guidelines (Richards et al. 2015 PMID: 25741868, with internal and published modifications).

NM_012301.4(MAGI2):c.302-9dup

Gene: MAGI2 (membrane associated guanylate kinase, WW and PDZ domain containing 2; minus strand). Cytogenetic location: 7q21.11.
Variant type: Duplication.
Coding change: c.302-9dup on transcript NM_012301.4 (MANE Select); 9 bases into the intron before coding-DNA position 302, one base duplicated (T; older notation c.302-9dupT).
Molecular consequence: intron variant.
Genome position (GRCh38, 1-based): chr7:79,007,215, A duplicated on the plus strand (T on the coding strand, the reverse complement: MAGI2 is on the minus strand); the first of 7 consecutive A bases (chr7:79,007,215-79,007,221); duplicating any one gives the same sequence. VCF-style (leftmost placement, unchanged base first): chr7-79007214-T-TA. GRCh37 (hg19) VCF-style: chr7-78636530-T-TA.
Other names: c.302-9dup (NM_001301128.2); c.302-9dupT (NM_012301.3).
Identifiers: ClinVar variation 2145760 (VCV002145760.6), dbSNP rs532013108, ClinGen allele CA4314297.